The following is an entry in ClinVar:

ClinVar aggregate classification (germline): Uncertain significance (0 of 4 stars; one submission).

Conditions:
SEMA3F-related disorder. Also called: SEMA3F-related condition.

gnomAD v4.1: 1 of 1,593,996 alleles (0.000063%); highest among the groups gnomAD compares: Non-Finnish European, 0.000086%; no homozygotes.

Submission:

PreventionGenetics, part of Exact Sciences
Classification: Uncertain significance for SEMA3F-related condition. Last evaluated: 2024-01-31. Review status: no assertion criteria provided. Collection method: clinical testing. Allele origin: germline.
Comment: The SEMA3F c.1960G>A variant is predicted to result in the amino acid substitution p.Asp654Asn. To our knowledge, this variant has not been reported in the literature. This variant is reported in 0.0065% of alleles in individuals of European (Non-Finnish) descent in gnomAD. At this time, the clinical significance of this variant is uncertain due to the absence of conclusive functional and genetic evidence.

NM_004186.5(SEMA3F):c.1960G>A (p.Asp654Asn)

Gene: SEMA3F (semaphorin 3F; plus strand). Cytogenetic location: 3p21.31.
Variant type: single nucleotide variant.
Coding change: c.1960G>A on transcript NM_004186.5 (MANE Select); coding-DNA position 1960, G replaced by A.
Protein change: p.Asp654Asn; replaces aspartic acid 654 with asparagine.
Molecular consequence: missense variant.
Genome position (GRCh38, 1-based): chr3:50,187,717, G>A. VCF-style: chr3-50187717-G-A. GRCh37 (hg19) VCF-style: chr3-50225150-G-A.
Other names: c.1663G>A, p.Asp555Asn (NM_001318798.2); c.1867G>A, p.Asp623Asn (NM_001318800.2); short protein forms D555N, D623N, D654N.
Identifiers: ClinVar variation 3349087 (VCV003349087.1).